The following is an entry in ClinVar:

NM_000518.5(HBB):c.316_444del (p.Leu106_Ter148del)

Genes: HBB (hemoglobin subunit beta; minus strand), LOC107133510 (origin of replication at HBB; plus strand), LOC110006319 (beta-globin gene 3' regulatory region; plus strand). Cytogenetic location: 11p15.4.
Variant type: Deletion.
Coding change: c.316_444del on transcript NM_000518.5 (MANE Select); coding-DNA positions 316 to 444, 129 bases deleted.
Protein change: p.Leu106_Ter148del.
Molecular consequence: stop lost, inframe deletion.
Genome position (GRCh38, 1-based): chr11:5,225,598-5,225,726, 129 bases deleted. GRCh37 (hg19): chr11:5,246,828-5,246,956.
Identifiers: ClinVar variation 988273 (VCV000988273.1), dbSNP rs1847521496, ClinGen allele CA1139661787.

ClinVar aggregate classification (germline): Pathogenic/Likely pathogenic. Review status: criteria provided, multiple submitters, no conflicts (2 of 4 stars). 2 submissions from 2 submitters: Pathogenic (1); Likely pathogenic (1). Last evaluated 2025-08-04.

Conditions:
beta Thalassemia (BTHAL). Also called: Cooley's anemia; Erythroblastic anemia; Mediterranean anemia. Identifiers: Orphanet 848, MedGen C0005283, MONDO:0019402. Disease mechanism: loss of function.

Submissions (2):

Natera, Inc.
Classification: Likely pathogenic for Beta thalassemia. Last evaluated: 2025-08-04. Review status: criteria provided, single submitter. Criteria: Natera Variant Classification Schema (03/2026). Collection method: clinical testing. Allele origin: germline.
Comment: The c.316_444del variant in HBB is an in-frame deletion. This variant is expected to result in nonsense mediated decay, truncation, or a dysfunctional protein product. This variant is rare in the general population with a frequency below the threshold expected for the associated phenotype(s). This variant has been observed in one or more individuals affected with the associated recessive disease, as either homozygous or compound heterozygous with a second variant (PMID: 15278762). Given the available evidence, this variant is classified as Likely Pathogenic.

Clinical Genetics and Genomics, Karolinska University Hospital
Classification: Pathogenic. Last evaluated: 2019-10-15. Review status: criteria provided, single submitter. Criteria: ACMG Guidelines, 2015. Collection method: clinical testing. Allele origin: germline. Affected: yes. Observed: 1 variant allele.

Literature cited by the submitters: PubMed 15278762 (cited by Natera, Inc.).